The following is an entry in ClinVar:

NM_002340.6(LSS):c.1988+8C>T

Gene: LSS (lanosterol synthase; minus strand). Cytogenetic location: 21q22.3.
Variant type: single nucleotide variant.
Coding change: c.1988+8C>T on transcript NM_002340.6 (MANE Select); 8 bases into the intron after coding-DNA position 1988, C replaced by T.
Molecular consequence: intron variant.
Genome position (GRCh38, 1-based): chr21:46,194,483, G>A on the plus strand (C>T on the coding strand, the complement: LSS is on the minus strand). VCF-style: chr21-46194483-G-A. GRCh37 (hg19) VCF-style: chr21-47614397-G-A.
Other names: c.1955+8C>T (NM_001145436.2); c.1988+8C>T (NM_001001438.3, NM_001001438.2); c.1748+8C>T (NM_001145437.2).
Identifiers: ClinVar variation 1216227 (VCV001216227.35), dbSNP rs142757718, ClinGen allele CA10074787.
Genomic context (GRCh38, chr21:46,194,483, plus strand): 5'-CCGGCTCACAGCTGAGTGTCCCTCCTCTACCCAAACCCAAGGCTCAGGGACGGTCCCGTC[G>A]TCCCCACCGAACGGCCATCAGCCCCATCATGGCCCAGCATGTGTTATGGATCTGGGACTG-3'

ClinVar aggregate classification (germline): Benign/Likely benign. Review status: criteria provided, multiple submitters, no conflicts (2 of 4 stars). 5 submissions from 5 submitters: Benign (1); Likely benign (3). 1 of the submissions does not count toward it. Last evaluated 2026-07-01.

Conditions:
LSS-related disorder. Also called: LSS-related condition.

Allele frequency attached by ClinVar (database versions not stated): ExAC 0.00126; gnomAD exomes 0.00126; ESP Exome Variant Server 0.00177; gnomAD 0.00177 and 0.00183; TOPMed 0.00222; 1000 Genomes Project 0.00280; 1000 Genomes Project 30x 0.00312.
gnomAD v4.1: 925 of 1,612,980 alleles (0.057%); highest among the groups gnomAD compares: East Asian, 0.69%; 4 homozygotes.

Submissions (5):

CeGaT Center for Human Genetics Tuebingen
Classification: Likely benign. Last evaluated: 2026-07-01. Review status: criteria provided, single submitter. Criteria: CeGaT Center For Human Genetics Tuebingen Variant Classification Criteria Version 2. Collection method: clinical testing. Allele origin: germline. Affected: yes. Observed: 3 variant alleles.
Comment: LSS: BP4, BS1

Labcorp Genetics (formerly Invitae), Labcorp
Classification: Benign. Last evaluated: 2025-08-30. Review status: criteria provided, single submitter. Criteria: Invitae Variant Classification Sherloc (09022015). Collection method: clinical testing. Allele origin: germline.

GeneDx
Classification: Likely benign. Last evaluated: 2020-12-12. Review status: criteria provided, single submitter. Criteria: GeneDx Variant Classification Process June 2021. Collection method: clinical testing. Allele origin: germline. Affected: yes.

Breakthrough Genomics
Classification: Likely benign. Review status: criteria provided, single submitter. Criteria: ACMG Guidelines, 2015. Collection method: not provided. Allele origin: germline. Inheritance: Autosomal recessive inheritance. Affected: yes.

PreventionGenetics, part of Exact Sciences
Classification: Benign for LSS-related condition. Last evaluated: 2019-06-04. Review status: no assertion criteria provided. Collection method: clinical testing. Allele origin: germline. Not counted in ClinVar's aggregate classification.
Comment: This variant is classified as benign based on ACMG/AMP sequence variant interpretation guidelines (Richards et al. 2015 PMID: 25741868, with internal and published modifications).